The following is an entry in ClinVar:

NM_001378454.1(ALMS1):c.8150T>G (p.Phe2717Cys)

Gene: ALMS1 (ALMS1 centrosome and basal body associated protein; plus strand). Cytogenetic location: 2p13.1.
Variant type: single nucleotide variant.
Coding change: c.8150T>G on transcript NM_001378454.1 (MANE Select); coding-DNA position 8150, T replaced by G.
Protein change: p.Phe2717Cys; replaces phenylalanine 2717 with cysteine.
Molecular consequence: missense variant.
Genome position (GRCh38, 1-based): chr2:73,490,109, T>G. VCF-style: chr2-73490109-T-G. GRCh37 (hg19) VCF-style: chr2-73717236-T-G.
Other names: c.8153T>G, p.Phe2718Cys (NM_015120.4); short protein forms F2718C, F2717C.
Identifiers: ClinVar variation 2132674 (VCV002132674.4), dbSNP rs2466214398, ClinGen allele CA347267672.

ClinVar aggregate classification (germline): Uncertain significance (1 of 4 stars; one submission).

Conditions:
Alstrom syndrome (ALMS). Identifiers: Orphanet 64, MedGen C0268425, MONDO:0008763, OMIM 203800.

Submission:

Labcorp Genetics (formerly Invitae), Labcorp
Classification: Uncertain significance for Alstrom syndrome. Last evaluated: 2022-05-03. Review status: criteria provided, single submitter. Criteria: Invitae Variant Classification Sherloc (09022015). Collection method: clinical testing. Allele origin: germline.
Comment: In summary, the available evidence is currently insufficient to determine the role of this variant in disease. Therefore, it has been classified as a Variant of Uncertain Significance. Experimental studies and prediction algorithms are not available or were not evaluated, and the functional significance of this variant is currently unknown. This variant has not been reported in the literature in individuals affected with ALMS1-related conditions. This variant is not present in population databases (gnomAD no frequency). This sequence change replaces phenylalanine, which is neutral and non-polar, with cysteine, which is neutral and slightly polar, at codon 2718 of the ALMS1 protein (p.Phe2718Cys).